The following is an entry in ClinVar:

NM_133259.4(LRPPRC):c.3369_3400del (p.Val1124fs)

Gene: LRPPRC (leucine rich pentatricopeptide repeat containing; minus strand). Cytogenetic location: 2p21.
Variant type: Deletion.
Coding change: c.3369_3400del on transcript NM_133259.4 (MANE Select); coding-DNA positions 3369 to 3400, 32 bases deleted.
Protein change: p.Val1124fs; shifts the reading frame from valine 1124.
Molecular consequence: frameshift variant.
Genome position (GRCh38, 1-based): chr2:43,901,489-43,901,520, 32 bases deleted; deleting any 32 consecutive bases within chr2:43,901,489-43,901,522 gives the same sequence; the c. name uses the placement nearest the transcript's 3' end. GRCh37 (hg19): chr2:44,128,630-44,128,661.
Other names: short protein forms V1124fs.
Identifiers: ClinVar variation 4816492 (VCV004816492.1).

ClinVar aggregate classification (germline): Likely pathogenic (1 of 4 stars; one submission).

Conditions:
Congenital lactic acidosis, Saguenay-Lac-Saint-Jean type (MC4DN5). Also called: CYTOCHROME c OXIDASE DEFICIENCY, FRENCH CANADIAN TYPE; COX DEFICIENCY, FRENCH CANADIAN TYPE; MITOCHONDRIAL COMPLEX IV DEFICIENCY, NUCLEAR TYPE 5. Identifiers: Orphanet 70472, MedGen C1857355, MONDO:0009069, OMIM 220111.

Submission:

Natera, Inc.
Classification: Likely pathogenic for French-Canadian type Leigh syndrome. Last evaluated: 2025-09-19. Review status: criteria provided, single submitter. Criteria: Natera Variant Classification Schema (03/2026). Collection method: clinical testing. Allele origin: germline.
Comment: The c.3369_3400del variant in LRPPRC is a frameshift variant predicted to shift the reading frame beginning at codon 1124 and leads to a stop codon 5 codons downstream. This variant is expected to result in nonsense mediated decay, truncation, or a dysfunctional protein product. This variant is rare in the general population with a frequency below the threshold expected for the associated phenotype(s). Given the available evidence, this variant is classified as Likely Pathogenic.